The following is an entry in ClinVar:

ClinVar aggregate classification (germline): Uncertain significance. Review status: criteria provided, multiple submitters, no conflicts (2 of 4 stars). 3 submissions from 3 submitters: Uncertain significance (3). Last evaluated 2025-11-19.

Conditions:
Inborn genetic diseases. Identifiers: MedGen C0950123, MeSH D030342.
Polyglucosan body myopathy type 1 (PGBM1). Also called: Polyglucosan body myopathy 1 with or without immunodeficiency; POLYGLUCOSAN BODY MYOPATHY WITHOUT IMMUNODEFICIENCY. Identifiers: Orphanet 329173, Orphanet 397937, MedGen C4014605, MONDO:0014389, OMIM 615895.

Allele frequency attached by ClinVar (database versions not stated): ExAC 0.00002.
gnomAD v4.1: 98 of 1,613,822 alleles (0.0061%); highest among the groups gnomAD compares: East Asian, 0.013%; no homozygotes.

Submissions (3):

Ambry Genetics
Classification: Uncertain significance for Inborn genetic diseases. Last evaluated: 2025-11-19. Review status: criteria provided, single submitter. Criteria: Ambry Variant Classification Scheme 2023. Collection method: clinical testing. Allele origin: germline.

Mayo Clinic Laboratories, Mayo Clinic
Classification: Uncertain significance. Last evaluated: 2025-05-16. Review status: criteria provided, single submitter. Criteria: ACMG Guidelines, 2015. Collection method: clinical testing. Allele origin: germline. Observed: 1 variant allele.
Comment: BP4

Labcorp Genetics (formerly Invitae), Labcorp
Classification: Uncertain significance for Polyglucosan body myopathy type 1. Last evaluated: 2022-10-13. Review status: criteria provided, single submitter. Criteria: Invitae Variant Classification Sherloc (09022015). Collection method: clinical testing. Allele origin: germline.
Comment: This sequence change replaces valine, which is neutral and non-polar, with isoleucine, which is neutral and non-polar, at codon 69 of the RBCK1 protein (p.Val69Ile). This variant is present in population databases (rs778362577, gnomAD 0.03%). This variant has not been reported in the literature in individuals affected with RBCK1-related conditions. ClinVar contains an entry for this variant (Variation ID: 1059496). Advanced modeling of protein sequence and biophysical properties (such as structural, functional, and spatial information, amino acid conservation, physicochemical variation, residue mobility, and thermodynamic stability) performed at Invitae indicates that this missense variant is not expected to disrupt RBCK1 protein function. In summary, the available evidence is currently insufficient to determine the role of this variant in disease. Therefore, it has been classified as a Variant of Uncertain Significance.

NM_031229.4(RBCK1):c.205G>A (p.Val69Ile)

Gene: RBCK1 (RANBP2-type and C3HC4-type zinc finger containing 1; plus strand). Cytogenetic location: 20p13.
Variant type: single nucleotide variant.
Coding change: c.205G>A on transcript NM_031229.4 (MANE Select); coding-DNA position 205, G replaced by A.
Protein change: p.Val69Ile; replaces valine 69 with isoleucine.
Molecular consequence: missense variant. On other transcripts: 5 prime UTR variant (2), non-coding transcript variant (1).
Genome position (GRCh38, 1-based): chr20:417,563, G>A. VCF-style: chr20-417563-G-A. GRCh37 (hg19) VCF-style: chr20-398207-G-A.
Other names: p.Val69Ile; c.205G>A (NM_031229.2); c.-145G>A (NM_001323956.2, NM_001323958.2); c.79G>A, p.Val27Ile (NM_006462.6); short protein forms V27I, V69I.
Identifiers: ClinVar variation 1059496 (VCV001059496.5), dbSNP rs778362577, ClinGen allele CA9723005.